The following is an entry in ClinVar:

ClinVar aggregate classification (germline): Uncertain significance. Review status: criteria provided, multiple submitters, no conflicts (2 of 4 stars). 4 submissions from 4 submitters: Uncertain significance (3). 1 of the submissions does not count toward it. Last evaluated 2025-05-18.

Conditions:
Walker-Warburg congenital muscular dystrophy. Also called: Muscular dystrophy-dystroglycanopathy, type A; Walker-Warburg syndrome. Identifiers: Orphanet 899, MedGen C0265221, MONDO:0000171.
Autosomal recessive limb-girdle muscular dystrophy type 2I. Also called: MUSCULAR DYSTROPHY, LIMB-GIRDLE, TYPE 2I; MUSCULAR DYSTROPHY-DYSTROGLYCANOPATHY (LIMB-GIRDLE), TYPE C, 5; MUSCULAR DYSTROPHY-DYSTROGLYCANOPATHY, LIMB-GIRDLE, FRKP-RELATED. Identifiers: Orphanet 34515, MedGen C1846672, MONDO:0011787, OMIM 607155.
Cardiovascular phenotype. Identifiers: MedGen CN230736.

Allele frequency attached by ClinVar (database versions not stated): gnomAD exomes below 0.00001 and 0.00001; ExAC 0.00001; gnomAD 0.00001; TOPMed 0.00001.
gnomAD v4.1: 6 of 1,603,552 alleles (0.00037%); highest among the groups gnomAD compares: African/African-American, 0.0067%; no homozygotes.

Submissions (4):

Ambry Genetics
Classification: Uncertain significance for Cardiovascular phenotype. Last evaluated: 2025-05-18. Review status: criteria provided, single submitter. Criteria: Ambry Variant Classification Scheme 2023. Collection method: clinical testing. Allele origin: germline.
Comment: The p.R466H variant (also known as c.1397G>A), located in coding exon 1 of the FKRP gene, results from a G to A substitution at nucleotide position 1397. The arginine at codon 466 is replaced by histidine, an amino acid with highly similar properties. This amino acid position is highly conserved in available vertebrate species. In addition, the in silico prediction for this alteration is inconclusive. Since supporting evidence is limited at this time, the clinical significance of this alteration remains unclear.

Labcorp Genetics (formerly Invitae), Labcorp
Classification: Uncertain significance for Walker-Warburg congenital muscular dystrophy. Last evaluated: 2022-07-05. Review status: criteria provided, single submitter. Criteria: Invitae Variant Classification Sherloc (09022015). Collection method: clinical testing. Allele origin: germline.
Comment: This sequence change replaces arginine, which is basic and polar, with histidine, which is basic and polar, at codon 466 of the FKRP protein (p.Arg466His). The frequency data for this variant in the population databases is considered unreliable, as metrics indicate poor data quality at this position in the gnomAD database. This variant has not been reported in the literature in individuals affected with FKRP-related conditions. ClinVar contains an entry for this variant (Variation ID: 571231). Algorithms developed to predict the effect of missense changes on protein structure and function are either unavailable or do not agree on the potential impact of this missense change (SIFT: "Tolerated"; PolyPhen-2: "Possibly Damaging"; Align-GVGD: "Class C0"). In summary, the available evidence is currently insufficient to determine the role of this variant in disease. Therefore, it has been classified as a Variant of Uncertain Significance.

Eurofins Ntd Llc (ga)
Classification: Uncertain significance. Last evaluated: 2017-07-17. Review status: criteria provided, single submitter. Criteria: EGL Classification Definitions 2015. Collection method: clinical testing. Allele origin: germline. Observed: 1 variant allele, 1 heterozygote.

Natera, Inc.
Classification: Uncertain significance for Limb-girdle muscular dystrophy type 2I. Last evaluated: 2020-02-07. Review status: no assertion criteria provided. Collection method: clinical testing. Allele origin: germline. Not counted in ClinVar's aggregate classification.

NM_024301.5(FKRP):c.1397G>A (p.Arg466His)

Gene: FKRP (fukutin related protein; plus strand). Cytogenetic location: 19q13.32.
Variant type: single nucleotide variant.
Coding change: c.1397G>A on transcript NM_024301.5 (MANE Select); coding-DNA position 1397, G replaced by A.
Protein change: p.Arg466His; replaces arginine 466 with histidine.
Molecular consequence: missense variant.
Genome position (GRCh38, 1-based): chr19:46,756,847, G>A. VCF-style: chr19-46756847-G-A. GRCh37 (hg19) VCF-style: chr19-47260104-G-A.
Other names: c.1397G>A, p.Arg466His (NM_001039885.3); short protein forms R466H.
Identifiers: ClinVar variation 571231 (VCV000571231.16), dbSNP rs763422045, ClinGen allele CA9532312.